The following is an entry in ClinVar:

ClinVar aggregate classification (germline): Benign/Likely benign. Review status: criteria provided, multiple submitters, no conflicts (2 of 4 stars). 7 submissions from 7 submitters: Benign (2); Likely benign (4). 1 of the submissions does not count toward it. Last evaluated 2024-11-23.

Conditions:
Autosomal dominant nonsyndromic hearing loss 56. Also called: Deafness, autosomal dominant 56. Identifiers: Orphanet 90635, MedGen C3810170, MONDO:0014283, OMIM 615629.
TNC-related disorder. Also called: TNC-related condition.

Allele frequency attached by ClinVar (database versions not stated): 1000 Genomes Project 30x 0.00109; 1000 Genomes Project 0.00120; ExAC 0.00335; gnomAD exomes 0.00359 and 0.00592; TOPMed 0.00380; gnomAD 0.00388 and 0.00396; ESP Exome Variant Server 0.00392.
gnomAD v4.1: 9,132 of 1,614,174 alleles (0.57%); highest among the groups gnomAD compares: Non-Finnish European, 0.72%; 34 homozygotes.

Submissions (7):

Blueprint Genetics
Classification: Likely benign. Last evaluated: 2024-11-23. Review status: criteria provided, single submitter. Criteria: ACMG Guidelines, 2015. Collection method: clinical testing. Allele origin: germline.

CeGaT Center for Human Genetics Tuebingen
Classification: Likely benign. Last evaluated: 2023-07-01. Review status: criteria provided, single submitter. Criteria: CeGaT Center For Human Genetics Tuebingen Variant Classification Criteria Version 2. Collection method: clinical testing. Allele origin: germline. Affected: yes. Observed: 5 variant alleles.
Comment: TNC: BP4, BP7

Genome-Nilou Lab
Classification: Benign for Autosomal dominant nonsyndromic hearing loss 56. Last evaluated: 2022-03-15. Review status: criteria provided, single submitter. Criteria: ACMG Guidelines, 2015. Collection method: clinical testing. Allele origin: germline. Affected: no.

GeneDx
Classification: Likely benign. Last evaluated: 2021-04-20. Review status: criteria provided, single submitter. Criteria: GeneDx Variant Classification Process June 2021. Collection method: clinical testing. Allele origin: germline. Affected: yes.

Labcorp Genetics (formerly Invitae), Labcorp
Classification: Benign. Last evaluated: 2019-12-31. Review status: criteria provided, single submitter. Criteria: Invitae Variant Classification Sherloc (09022015). Collection method: clinical testing. Allele origin: germline.

Breakthrough Genomics
Classification: Likely benign. Review status: criteria provided, single submitter. Criteria: ACMG Guidelines, 2015. Collection method: not provided. Allele origin: germline. Inheritance: Autosomal dominant inheritance. Affected: yes.

PreventionGenetics, part of Exact Sciences
Classification: Benign for TNC-related condition. Last evaluated: 2020-03-17. Review status: no assertion criteria provided. Collection method: clinical testing. Allele origin: germline. Not counted in ClinVar's aggregate classification.
Comment: This variant is classified as benign based on ACMG/AMP sequence variant interpretation guidelines (Richards et al. 2015 PMID: 25741868, with internal and published modifications).

NM_002160.4(TNC):c.96G>A (p.Lys32=)

Gene: TNC (tenascin C; minus strand). Cytogenetic location: 9q33.1.
Variant type: single nucleotide variant.
Coding change: c.96G>A on transcript NM_002160.4 (MANE Select); coding-DNA position 96, G replaced by A.
Protein change: p.Lys32=; no amino-acid change (lysine 32 retained).
Molecular consequence: synonymous variant.
Genome position (GRCh38, 1-based): chr9:115,090,923, C>T on the plus strand (G>A on the coding strand, the complement: TNC is on the minus strand). VCF-style: chr9-115090923-C-T. GRCh37 (hg19) VCF-style: chr9-117853202-C-T.
Identifiers: ClinVar variation 776765 (VCV000776765.34), dbSNP rs145367019, ClinGen allele CA5209146.